The following is an entry in ClinVar:

NM_001384125.1(BLTP1):c.11827G>T (p.Gly3943Cys)

Gene: BLTP1 (bridge-like lipid transfer protein family member 1; plus strand). Cytogenetic location: 4q27.
Variant type: single nucleotide variant.
Coding change: c.11827G>T on transcript NM_001384125.1 (MANE Select); coding-DNA position 11827, G replaced by T.
Protein change: p.Gly3943Cys; replaces glycine 3943 with cysteine.
Molecular consequence: missense variant.
Genome position (GRCh38, 1-based): chr4:122,333,726, G>T. VCF-style: chr4-122333726-G-T. GRCh37 (hg19) VCF-style: chr4-123254881-G-T.
Other names: c.11563G>T, p.Gly3855Cys (NM_015312.4); short protein forms G3855C, G3943C.
Identifiers: ClinVar variation 450656 (VCV000450656.4), dbSNP rs201638195, ClinGen allele CA3067856.
Genomic context (GRCh38, chr4:122,333,726, plus strand): 5'-TCACCTTCAAAAAAGAAGAAGTTTCAAACTAATTATGCTTCTACCACCCATTTAATGACC[G>T]GCAAGAAAGTGCCATCATCTCTACAGACAAAGCCTAGTGACTTAGAAACAACAGTATTTT-3'
Protein context (NP_001371054.1, residues 3933-3953): NYASTTHLMT[Gly3943Cys]KKVPSSLQTK

ClinVar aggregate classification (germline): Uncertain significance. Review status: criteria provided, multiple submitters, no conflicts (2 of 4 stars). 2 submissions from 2 submitters: Uncertain significance (2). Last evaluated 2024-03-28.

Allele frequency attached by ClinVar (database versions not stated): TOPMed 0.00002.
gnomAD v4.1: 61 of 1,611,944 alleles (0.0038%); highest among the groups gnomAD compares: Non-Finnish European, 0.0048%; no homozygotes.

Submissions (2):

Ambry Genetics
Classification: Uncertain significance. Last evaluated: 2024-03-28. Review status: criteria provided, single submitter. Criteria: Ambry Variant Classification Scheme 2023. Collection method: clinical testing. Allele origin: germline.

GeneDx
Classification: Uncertain significance. Last evaluated: 2017-07-31. Review status: criteria provided, single submitter. Criteria: GeneDx Variant Classification (06012015). Collection method: clinical testing. Allele origin: germline. Affected: yes.
Comment: The G3855C variant in the KIAA1109 gene has not been reported previously as a pathogenic variant, nor as a benign variant, to our knowledge. The G3855C variant is not observed at a significant frequency in large population cohorts (Lek et al., 2016; 1000 Genomes Consortium et al., 2015; Exome Variant Server). The G3855C variant is a non-conservative amino acid substitution, which is likely to impact secondary protein structure as these residues differ in polarity, charge, size and/or other properties. This substitution occurs at a position that is conserved across species. In silico analysis predicts this variant is probably damaging to the protein structure/function. We interpret G3855C as a variant of uncertain significance.